The following is an entry in ClinVar:

ClinVar aggregate classification (germline): Uncertain significance. Review status: criteria provided, multiple submitters, no conflicts (2 of 4 stars). 2 submissions from 2 submitters: Uncertain significance (2). Last evaluated 2025-02-08.

Allele frequency attached by ClinVar (database versions not stated): gnomAD exomes 0.00001 and 0.00005; TOPMed 0.00001; ExAC 0.00002; gnomAD 0.00003 and 0.00004; ESP Exome Variant Server 0.00008.
gnomAD v4.1: 76 of 1,613,870 alleles (0.0047%); highest among the groups gnomAD compares: Non-Finnish European, 0.0064%; no homozygotes.

Submissions (2):

Ambry Genetics
Classification: Uncertain significance. Last evaluated: 2025-02-08. Review status: criteria provided, single submitter. Criteria: Ambry Variant Classification Scheme 2023. Collection method: clinical testing. Allele origin: germline.

Labcorp Genetics (formerly Invitae), Labcorp
Classification: Uncertain significance. Last evaluated: 2021-07-17. Review status: criteria provided, single submitter. Criteria: Invitae Variant Classification Sherloc (09022015). Collection method: clinical testing. Allele origin: germline.
Comment: This sequence change replaces isoleucine with valine at codon 1483 of the TENM4 protein (p.Ile1483Val). The isoleucine residue is highly conserved and there is a small physicochemical difference between isoleucine and valine. This variant is present in population databases (rs370081442, ExAC 0.003%). This variant has not been reported in the literature in individuals affected with TENM4-related conditions. Algorithms developed to predict the effect of missense changes on protein structure and function (SIFT, PolyPhen-2, Align-GVGD) all suggest that this variant is likely to be tolerated. In summary, the available evidence is currently insufficient to determine the role of this variant in disease. Therefore, it has been classified as a Variant of Uncertain Significance.

NM_001098816.3(TENM4):c.4447A>G (p.Ile1483Val)

Gene: TENM4 (teneurin transmembrane protein 4; minus strand). Cytogenetic location: 11q14.1.
Variant type: single nucleotide variant.
Coding change: c.4447A>G on transcript NM_001098816.3 (MANE Select); coding-DNA position 4447, A replaced by G.
Protein change: p.Ile1483Val; replaces isoleucine 1483 with valine.
Molecular consequence: missense variant.
Genome position (GRCh38, 1-based): chr11:78,702,166, T>C on the plus strand (A>G on the coding strand, the complement: TENM4 is on the minus strand). VCF-style: chr11-78702166-T-C. GRCh37 (hg19) VCF-style: chr11-78413211-T-C.
Other names: c.4447A>G (NM_001098816.2); short protein forms I1483V.
Identifiers: ClinVar variation 1375671 (VCV001375671.9), dbSNP rs370081442, ClinGen allele CA6206798.